The following is an entry in ClinVar:

NM_000052.7(ATP7A):c.2709C>T (p.Cys903=)

Gene: ATP7A (ATPase copper transporting alpha; plus strand). Cytogenetic location: Xq21.1.
Variant type: single nucleotide variant.
Coding change: c.2709C>T on transcript NM_000052.7 (MANE Select); coding-DNA position 2709, C replaced by T.
Protein change: p.Cys903=; no amino-acid change (cysteine 903 retained).
Molecular consequence: synonymous variant.
Genome position (GRCh38, 1-based): chrX:78,020,326, C>T. VCF-style: chrX-78020326-C-T. GRCh37 (hg19) VCF-style: chrX-77275823-C-T.
Other names: c.2475C>T, p.Cys825= (NM_001282224.2).
Identifiers: ClinVar variation 514287 (VCV000514287.18), dbSNP rs140838569, ClinGen allele CA10459315.

ClinVar aggregate classification (germline): Benign/Likely benign. Review status: criteria provided, multiple submitters, no conflicts (2 of 4 stars). 4 submissions from 4 submitters: Benign (2); Likely benign (1). 1 of the submissions does not count toward it. Last evaluated 2026-01-28.

Conditions:
ATP7A-related disorder. Also called: ATP7A-related condition.
Inborn genetic diseases. Identifiers: MedGen C0950123, MeSH D030342.
Menkes kinky-hair syndrome (MNK). Also called: Classic Menkes Disease; Copper transport disease; Menkes Disease. Identifiers: Orphanet 565, MedGen C0022716, MONDO:0010651, OMIM 309400.
Cutis laxa, X-linked (OHS). Also called: EDS IX; Occipital horn syndrome. Identifiers: Orphanet 198, MedGen C0268353, MONDO:0010572, OMIM 304150.
X-linked distal spinal muscular atrophy type 3. Also called: NEURONOPATHY, DISTAL HEREDITARY MOTOR, X-LINKED; NEUROPATHY, DISTAL HEREDITARY MOTOR, X-LINKED; ATP7A-Related Distal Motor Neuropathy; SPINAL MUSCULAR ATROPHY, DISTAL, X-LINKED RECESSIVE. Identifiers: Orphanet 139557, MedGen C1845359, MONDO:0010338, OMIM 300489.

Allele frequency attached by ClinVar (database versions not stated): ExAC 0.00010; gnomAD exomes 0.00011 and 0.00016; ESP Exome Variant Server 0.00019; 1000 Genomes Project 30x 0.00021; 1000 Genomes Project 0.00026; gnomAD 0.00026 and 0.00028; TOPMed 0.00032.
gnomAD v4.1: 148 of 1,209,985 alleles (0.012%); highest among the groups gnomAD compares: African/African-American, 0.094%; no homozygotes.

Submissions (4):

Labcorp Genetics (formerly Invitae), Labcorp
Classification: Benign for X-linked distal spinal muscular atrophy type 3; Cutis laxa, X-linked; Menkes kinky-hair syndrome. Last evaluated: 2026-01-28. Review status: criteria provided, single submitter. Criteria: Invitae Variant Classification Sherloc (09022015). Collection method: clinical testing. Allele origin: germline.

GeneDx
Classification: Likely benign. Last evaluated: 2021-01-27. Review status: criteria provided, single submitter. Criteria: GeneDx Variant Classification Process June 2021. Collection method: clinical testing. Allele origin: germline. Affected: yes.

Ambry Genetics
Classification: Benign for Inborn genetic diseases. Last evaluated: 2017-09-29. Review status: criteria provided, single submitter. Criteria: Ambry Variant Classification Scheme 2023. Collection method: clinical testing. Allele origin: germline.

PreventionGenetics, part of Exact Sciences
Classification: Likely benign for ATP7A-related condition. Last evaluated: 2024-05-16. Review status: no assertion criteria provided. Collection method: clinical testing. Allele origin: germline. Not counted in ClinVar's aggregate classification.
Comment: This variant is classified as likely benign based on ACMG/AMP sequence variant interpretation guidelines (Richards et al. 2015 PMID: 25741868, with internal and published modifications).